The following is an entry in ClinVar:

NM_001035.3(RYR2):c.4840C>T (p.Arg1614Cys)

Gene: RYR2 (ryanodine receptor 2; plus strand). Cytogenetic location: 1q43.
Variant type: single nucleotide variant.
Coding change: c.4840C>T on transcript NM_001035.3 (MANE Select); coding-DNA position 4840, C replaced by T.
Protein change: p.Arg1614Cys; replaces arginine 1614 with cysteine.
Molecular consequence: missense variant.
Genome position (GRCh38, 1-based): chr1:237,610,918, C>T. VCF-style: chr1-237610918-C-T. GRCh37 (hg19) VCF-style: chr1-237774218-C-T.
Other names: short protein forms R1614C.
Identifiers: ClinVar variation 923641 (VCV000923641.14), dbSNP rs373079767, ClinGen allele CA073538.

ClinVar aggregate classification (germline): Conflicting classifications of pathogenicity. Review status: criteria provided, conflicting classifications (1 of 4 stars). 3 submissions from 3 submitters: Uncertain significance (2); Likely benign (1). Last evaluated 2024-10-07.

Conditions:
Catecholaminergic polymorphic ventricular tachycardia (CVPT). Also called: Catecholamine-induced polymorphic ventricular tachycardia. Identifiers: Orphanet 3286, MedGen C5574922, MONDO:0017990.
Cardiomyopathy (CMYO). Also called: Cardiomyopathies. Identifiers: Orphanet 167848, MedGen C0878544, MONDO:0004994, HP:0001638. Inheritance: Various modes of inheritance.
Catecholaminergic polymorphic ventricular tachycardia 1. Also called: VENTRICULAR TACHYCARDIA, CATECHOLAMINERGIC POLYMORPHIC, 1, WITH OR WITHOUT ATRIAL DYSFUNCTION AND/OR DILATED CARDIOMYOPATHY; RYR2-Related Catecholaminergic Polymorphic Ventricular Tachycardia; VENTRICULAR TACHYCARDIA, STRESS-INDUCED POLYMORPHIC 1. Identifiers: Orphanet 3286, MedGen C1631597, MONDO:0011484, OMIM 604772.

Allele frequency attached by ClinVar (database versions not stated): gnomAD 0.00001; TOPMed 0.00003; 1000 Genomes Project 30x 0.00016; 1000 Genomes Project 0.00020.
gnomAD v4.1: 21 of 1,613,482 alleles (0.0013%); highest among the groups gnomAD compares: East Asian, 0.029%; no homozygotes.

Submissions (3):

Labcorp Genetics (formerly Invitae), Labcorp
Classification: Likely benign for Catecholaminergic polymorphic ventricular tachycardia 1. Last evaluated: 2024-10-07. Review status: criteria provided, single submitter. Criteria: Invitae Variant Classification Sherloc (09022015). Collection method: clinical testing. Allele origin: germline.

All of Us Research Program, National Institutes of Health
Classification: Uncertain significance for Catecholaminergic polymorphic ventricular tachycardia. Last evaluated: 2023-09-17. Review status: criteria provided, single submitter. Criteria: ACMG Guidelines, 2015. Collection method: clinical testing. Allele origin: germline. Inheritance: Autosomal dominant inheritance. Observed: 1 variant allele, 1 heterozygote.
Comment: This missense variant replaces arginine with cysteine at codon 1614 of the RYR2 protein. Computational prediction suggests that this variant may have deleterious impact on protein structure and function (internally defined REVEL score threshold >= 0.7, PMID: 27666373). To our knowledge, functional studies have not been reported for this variant. This variant has been reported in a sudden cardiac arrest survivor (PMID: 28202948) and in an individual affected with long QT syndrome (PMID: 32681117). This variant has been identified in 9/279776 chromosomes in the general population by the Genome Aggregation Database (gnomAD). The available evidence is insufficient to determine the role of this variant in disease conclusively. Therefore, this variant is classified as a Variant of Uncertain Significance.

This study involves interpretation of variants in research participants for the purpose of population health screening. Participant phenotype was not available at the time of variant classification. Additional details can be found in publication PMID: 35346344, PMCID: PMC8962531

Color Diagnostics, LLC DBA Color Health
Classification: Uncertain significance for Cardiomyopathy. Last evaluated: 2022-12-06. Review status: criteria provided, single submitter. Criteria: ACMG Guidelines, 2015. Collection method: clinical testing. Allele origin: germline.
Comment: This missense variant replaces arginine with cysteine at codon 1614 of the RYR2 protein. Computational prediction suggests that this variant may have deleterious impact on protein structure and function (internally defined REVEL score threshold >= 0.7, PMID: 27666373). To our knowledge, functional studies have not been reported for this variant. This variant has been reported in a sudden cardiac arrest survivor (PMID: 28202948) and in an individual affected with long QT syndrome (PMID: 32681117). This variant has been identified in 9/279776 chromosomes in the general population by the Genome Aggregation Database (gnomAD). The available evidence is insufficient to determine the role of this variant in disease conclusively. Therefore, this variant is classified as a Variant of Uncertain Significance.

Literature cited by the submitters: PubMed 28202948 (cited by All of Us Research Program, National Institutes of Health and Color Diagnostics, LLC DBA Color Health); PubMed 32681117 (cited by All of Us Research Program, National Institutes of Health and Color Diagnostics, LLC DBA Color Health).